The following is an entry in ClinVar:

NM_024408.4(NOTCH2):c.4303C>T (p.Arg1435Trp)

Gene: NOTCH2 (notch receptor 2; minus strand). Cytogenetic location: 1p12.
Variant type: single nucleotide variant.
Coding change: c.4303C>T on transcript NM_024408.4 (MANE Select); coding-DNA position 4303, C replaced by T.
Protein change: p.Arg1435Trp; replaces arginine 1435 with tryptophan.
Molecular consequence: missense variant.
Genome position (GRCh38, 1-based): chr1:119,925,513, G>A on the plus strand (C>T on the coding strand, the complement: NOTCH2 is on the minus strand). VCF-style: chr1-119925513-G-A. GRCh37 (hg19) VCF-style: chr1-120468136-G-A.
Other names: c.4303C>T (NM_024408.3); short protein forms R1435W.
Identifiers: ClinVar variation 1408303 (VCV001408303.9), dbSNP rs777091426, ClinGen allele CA1039876.

ClinVar aggregate classification (germline): Uncertain significance. Review status: criteria provided, multiple submitters, no conflicts (2 of 4 stars). 2 submissions from 2 submitters: Uncertain significance (2). Last evaluated 2025-10-06.

Conditions:
Hajdu-Cheney syndrome (HJCYS). Also called: ACROOSTEOLYSIS WITH OSTEOPOROSIS AND CHANGES IN SKULL AND MANDIBLE; SERPENTINE FIBULA-POLYCYSTIC KIDNEY SYNDROME; Acroosteolysis dominant type. Identifiers: Orphanet 955, MedGen C0917715, MONDO:0007057, OMIM 102500.
NOTCH2-related disorder. Also called: NOTCH2-related condition.

Allele frequency attached by ClinVar (database versions not stated): TOPMed below 0.00001; ExAC 0.00002; gnomAD exomes 0.00002.
gnomAD v4.1: 5 of 1,614,152 alleles (0.00031%); highest among the groups gnomAD compares: Admixed American, 0.005%; no homozygotes.

Submissions (2):

PreventionGenetics, part of Exact Sciences
Classification: Uncertain significance for NOTCH2-related condition. Last evaluated: 2025-10-06. Review status: criteria provided, single submitter. Criteria: ACMG Guidelines, 2015. Collection method: clinical testing. Allele origin: germline.
Comment: The NOTCH2 c.4303C>T variant is predicted to result in the amino acid substitution p.Arg1435Trp. To our knowledge, this variant has not been reported in the literature. This variant is reported in 0.0087% of alleles in individuals of Latino descent in gnomAD. At this time, the clinical significance of this variant is uncertain due to the absence of conclusive functional and genetic evidence.

Labcorp Genetics (formerly Invitae), Labcorp
Classification: Uncertain significance for Hajdu-Cheney syndrome. Last evaluated: 2022-02-05. Review status: criteria provided, single submitter. Criteria: Invitae Variant Classification Sherloc (09022015). Collection method: clinical testing. Allele origin: germline.
Comment: In summary, the available evidence is currently insufficient to determine the role of this variant in disease. Therefore, it has been classified as a Variant of Uncertain Significance. Algorithms developed to predict the effect of missense changes on protein structure and function (SIFT, PolyPhen-2, Align-GVGD) all suggest that this variant is likely to be disruptive. This variant has not been reported in the literature in individuals affected with NOTCH2-related conditions. This variant is present in population databases (rs777091426, gnomAD 0.009%). This sequence change replaces arginine, which is basic and polar, with tryptophan, which is neutral and slightly polar, at codon 1435 of the NOTCH2 protein (p.Arg1435Trp).